The following is an entry in ClinVar:

ClinVar aggregate classification (germline): Uncertain significance (1 of 4 stars; one submission).

gnomAD v4.1: 4 of 1,611,888 alleles (0.00025%); highest among the groups gnomAD compares: East Asian, 0.0022%; no homozygotes.

Submission:

Labcorp Genetics (formerly Invitae), Labcorp
Classification: Uncertain significance. Last evaluated: 2025-07-14. Review status: criteria provided, single submitter. Criteria: Invitae Variant Classification Sherloc (09022015). Collection method: clinical testing. Allele origin: germline.
Comment: This sequence change replaces cysteine, which is neutral and slightly polar, with arginine, which is basic and polar, at codon 393 of the TELO2 protein (p.Cys393Arg). This variant is present in population databases (no rsID available, gnomAD 0.06%). This variant has not been reported in the literature in individuals affected with TELO2-related conditions. Invitae Evidence Modeling of protein sequence and biophysical properties (such as structural, functional, and spatial information, amino acid conservation, physicochemical variation, residue mobility, and thermodynamic stability) has been performed for this missense variant. However, the output from this modeling did not meet the statistical confidence thresholds required to predict the impact of this variant on TELO2 protein function. In summary, the available evidence is currently insufficient to determine the role of this variant in disease. Therefore, it has been classified as a Variant of Uncertain Significance.

NM_016111.4(TELO2):c.1177T>C (p.Cys393Arg)

Gene: TELO2 (telomere maintenance 2; plus strand). Cytogenetic location: 16p13.3.
Variant type: single nucleotide variant.
Coding change: c.1177T>C on transcript NM_016111.4 (MANE Select); coding-DNA position 1177, T replaced by C.
Protein change: p.Cys393Arg; replaces cysteine 393 with arginine.
Molecular consequence: missense variant.
Genome position (GRCh38, 1-based): chr16:1,500,595, T>C. VCF-style: chr16-1500595-T-C. GRCh37 (hg19) VCF-style: chr16-1550596-T-C.
Other names: c.1177T>C, p.Cys393Arg (NM_001351846.2); short protein forms C393R.
Identifiers: ClinVar variation 4753204 (VCV004753204.1).